The following is an entry in ClinVar:

ClinVar aggregate classification (germline): Uncertain significance (1 of 4 stars; one submission).

Submission:

Ambry Genetics
Classification: Uncertain significance. Last evaluated: 2025-09-07. Review status: criteria provided, single submitter. Criteria: Ambry Variant Classification Scheme 2023. Collection method: clinical testing. Allele origin: germline.
Comment: The p.I256V variant (also known as c.766A>G), located in coding exon 3 of the MYLK2 gene, results from an A to G substitution at nucleotide position 766. The isoleucine at codon 256 is replaced by valine, an amino acid with highly similar properties. This amino acid position is conserved. In addition, this alteration is predicted to be tolerated by in silico analysis. Based on the available evidence, the clinical significance of this variant remains unclear.

NM_033118.4(MYLK2):c.766A>G (p.Ile256Val)

Gene: MYLK2 (myosin light chain kinase 2; plus strand). Cytogenetic location: 20q11.21.
Variant type: single nucleotide variant.
Coding change: c.766A>G on transcript NM_033118.4 (MANE Select); coding-DNA position 766, A replaced by G.
Protein change: p.Ile256Val; replaces isoleucine 256 with valine.
Molecular consequence: missense variant.
Genome position (GRCh38, 1-based): chr20:31,821,731, A>G. VCF-style: chr20-31821731-A-G. GRCh37 (hg19) VCF-style: chr20-30409534-A-G.
Other names: short protein forms I256V.
Identifiers: ClinVar variation 4115085 (VCV004115085.1).